The following is an entry in ClinVar:

NC_000002.12:g.(47379970_47385165)_(47387029_?)del

Gene: EPCAM (epithelial cell adhesion molecule; plus strand). Cytogenetic location: 2p21.
Variant type: Deletion.
Identifiers: ClinVar variation 982015 (VCV000982015.1).

ClinVar aggregate classification (germline): Pathogenic (1 of 4 stars; one submission).

Conditions:
Hereditary nonpolyposis colon cancer (HNPCC). Also called: Hereditary nonpolyposis colorectal cancer; Familial nonpolyposis colon cancer; Hereditary Nonpolyposis Colorectal Cancer Syndrome. Identifiers: Orphanet 443909, MedGen C1333990, MONDO:0018630. Disease mechanism: loss of function.

Submission:

Women's Health and Genetics/Laboratory Corporation of America, LabCorp
Classification: Pathogenic for Hereditary nonpolyposis colon cancer. Last evaluated: 2020-08-26. Review status: criteria provided, single submitter. Criteria: LabCorp Variant Classification Summary - May 2015. Collection method: clinical testing. Allele origin: germline.
Comment: Variant summary: The variant identified by MLPA or other technology involves the deletion of exons 8 and 9 in the EPCAM gene. A presumed nomenclature of c.(858+1_859-1)_(*416_?)del has been designated for the purposes of this classification. Although exact breakpoints of this deletion are not known, it is expected to result in a truncated EPCAM protein, a known mechanism of disease. The variant was absent in 21694 control chromosomes (gnomAD, Structural Variants dataset). The variant, c.(858+1_859-1)_(*416_?)del, commonly depicted as exon 8 and 9 deletion has been reported in the literature in multiple individuals affected with Lynch Syndrome (Rumilla_2011). These data indicate that the variant is very likely to be associated with disease. To our knowledge, no experimental evidence demonstrating an impact on protein function has been reported. One ClinVar submitter (evaluation after 2014) cites a similar variant (exons 8-9 del) as pathogenic. In addition, multiple reputable databases cite overlapping variants involving deletion of exons 8-9 as pathogenic. Based on the evidence outlined above, the variant was classified as pathogenic.

Literature cited by the submitters: PubMed 21227399.